The following is an entry in ClinVar:

NM_138694.4(PKHD1):c.8837del (p.Leu2946fs)

Gene: PKHD1 (PKHD1 ciliary IPT domain containing fibrocystin/polyductin; minus strand). Cytogenetic location: 6p12.3.
Variant type: Deletion.
Coding change: c.8837del on transcript NM_138694.4 (MANE Select); coding-DNA position 8837, one base deleted (T; older notation c.8837delT).
Protein change: p.Leu2946fs; shifts the reading frame from leucine 2946.
Molecular consequence: frameshift variant.
Genome position (GRCh38, 1-based): chr6:51,753,314, A deleted on the plus strand (T on the coding strand, the reverse complement: PKHD1 is on the minus strand); the first of 3 consecutive A bases (chr6:51,753,314-51,753,316); deleting any one gives the same sequence. VCF-style (leftmost placement, unchanged base first): chr6-51753313-CA-C. GRCh37 (hg19) VCF-style: chr6-51618111-CA-C.
Other names: c.8837del, p.Leu2946fs (NM_170724.3); c.8837delT (NM_138694.3); short protein forms L2946fs.
Identifiers: ClinVar variation 2993911 (VCV002993911.4), dbSNP rs2533917665, ClinGen allele CA2679078818.

ClinVar aggregate classification (germline): Pathogenic/Likely pathogenic. Review status: criteria provided, multiple submitters, no conflicts (2 of 4 stars). 2 submissions from 2 submitters: Pathogenic (1); Likely pathogenic (1). Last evaluated 2026-01-26.

Conditions:
Autosomal recessive polycystic kidney disease (ARPKD). Also called: AR polycystic kidney disease. Identifiers: Orphanet 731, Orphanet 8378, MedGen C0085548, MeSH D017044, MONDO:0009889.

Submissions (2):

Natera, Inc.
Classification: Likely pathogenic for Autosomal recessive polycystic kidney disease. Last evaluated: 2026-01-26. Review status: criteria provided, single submitter. Criteria: Natera Variant Classification Schema (03/2026). Collection method: clinical testing. Allele origin: germline.
Comment: The c.8837delT variant in PKHD1 is a frameshift variant predicted to shift the reading frame beginning at codon 2946 and leads to a stop codon 8 codons downstream. This variant is expected to result in nonsense mediated decay, truncation, or a dysfunctional protein product. This variant is rare in the general population with a frequency below the threshold expected for the associated phenotype(s). Given the available evidence, this variant is classified as Likely Pathogenic.

Labcorp Genetics (formerly Invitae), Labcorp
Classification: Pathogenic for Autosomal recessive polycystic kidney disease. Last evaluated: 2023-04-10. Review status: criteria provided, single submitter. Criteria: Invitae Variant Classification Sherloc (09022015). Collection method: clinical testing. Allele origin: germline.
Comment: This variant has not been reported in the literature in individuals affected with PKHD1-related conditions. For these reasons, this variant has been classified as Pathogenic. This variant is not present in population databases (gnomAD no frequency). This sequence change creates a premature translational stop signal (p.Leu2946Trpfs*8) in the PKHD1 gene. It is expected to result in an absent or disrupted protein product. Loss-of-function variants in PKHD1 are known to be pathogenic (PMID: 19940839).

Literature cited by the submitters: PubMed 19940839 (cited by Labcorp Genetics (formerly Invitae), Labcorp).